The following is an entry in ClinVar:

ClinVar aggregate classification (germline): Uncertain significance (1 of 4 stars; one submission).

Conditions:
Developmental and epileptic encephalopathy, 12 (DEE12). Identifiers: MedGen C3150988, MONDO:0013389, OMIM 613722.

Allele frequency attached by ClinVar (database versions not stated): gnomAD exomes 0.00001; TOPMed 0.00001; gnomAD 0.00002.
gnomAD v4.1: 6 of 1,613,960 alleles (0.00037%); highest among the groups gnomAD compares: African/African-American, 0.008%; no homozygotes.

Submission:

Labcorp Genetics (formerly Invitae), Labcorp
Classification: Uncertain significance for Developmental and epileptic encephalopathy, 12. Last evaluated: 2019-06-10. Review status: criteria provided, single submitter. Criteria: Invitae Variant Classification Sherloc (09022015). Collection method: clinical testing. Allele origin: germline.
Comment: In summary, the available evidence is currently insufficient to determine the role of this variant in disease. Therefore, it has been classified as a Variant of Uncertain Significance. Algorithms developed to predict the effect of missense changes on protein structure and function (SIFT, PolyPhen-2, Align-GVGD) all suggest that this variant is likely to be tolerated, but these predictions have not been confirmed by published functional studies and their clinical significance is uncertain. This variant has not been reported in the literature in individuals with PLCB1-related conditions. This variant is not present in population databases (ExAC no frequency). This sequence change replaces leucine with valine at codon 1159 of the PLCB1 protein (p.Leu1159Val). The leucine residue is moderately conserved and there is a small physicochemical difference between leucine and valine.

NM_015192.4(PLCB1):c.3475C>G (p.Leu1159Val)

Gene: PLCB1 (phospholipase C beta 1; plus strand). Cytogenetic location: 20p12.3.
Variant type: single nucleotide variant.
Coding change: c.3475C>G on transcript NM_015192.4 (MANE Select); coding-DNA position 3475, C replaced by G.
Protein change: p.Leu1159Val; replaces leucine 1159 with valine.
Molecular consequence: missense variant. On other transcripts: 3 prime UTR variant (1).
Genome position (GRCh38, 1-based): chr20:8,881,673, C>G. VCF-style: chr20-8881673-C-G. GRCh37 (hg19) VCF-style: chr20-8862320-C-G.
Other names: c.*71C>G (NM_182734.3); short protein forms L1159V.
Identifiers: ClinVar variation 936358 (VCV000936358.10), dbSNP rs1987996323, ClinGen allele CA408263028.